The following is an entry in ClinVar:

ClinVar aggregate classification (germline): Conflicting classifications of pathogenicity. Review status: criteria provided, conflicting classifications (1 of 4 stars). 5 submissions from 5 submitters: Uncertain significance (1); Benign (1); Likely benign (3). Last evaluated 2026-01-12.

Conditions:
REEP1-related disorder. Also called: REEP1-related condition.
Hereditary spastic paraplegia 31. Also called: SPASTIC PARAPLEGIA 31, AUTOSOMAL DOMINANT. Identifiers: Orphanet 101011, MedGen C1853247, MONDO:0012453, OMIM 610250.

Allele frequency attached by ClinVar (database versions not stated): gnomAD exomes 0.00006 and 0.00019; ExAC 0.00021; ESP Exome Variant Server 0.00038; TOPMed 0.00063; gnomAD 0.00065 and 0.00070; 1000 Genomes Project 0.00100; 1000 Genomes Project 30x 0.00125.
gnomAD v4.1: 194 of 1,613,856 alleles (0.012%); highest among the groups gnomAD compares: African/African-American, 0.23%; no homozygotes.

Submissions (5):

Labcorp Genetics (formerly Invitae), Labcorp
Classification: Benign for Hereditary spastic paraplegia 31. Last evaluated: 2026-01-12. Review status: criteria provided, single submitter. Criteria: Invitae Variant Classification Sherloc (09022015). Collection method: clinical testing. Allele origin: germline.

PreventionGenetics, part of Exact Sciences
Classification: Likely benign for REEP1-related condition. Last evaluated: 2025-12-21. Review status: criteria provided, single submitter. Criteria: ACMG Guidelines, 2015. Collection method: clinical testing. Allele origin: germline.
Comment: This variant is classified as likely benign based on ACMG/AMP sequence variant interpretation guidelines (Richards et al. 2015 PMID: 25741868, with internal and published modifications).

ARUP Laboratories, Molecular Genetics and Genomics, ARUP Laboratories
Classification: Likely benign. Last evaluated: 2024-08-02. Review status: criteria provided, single submitter. Criteria: ARUP Molecular Germline Variant Investigation Process 2024. Collection method: clinical testing. Allele origin: germline.

CeGaT Center for Human Genetics Tuebingen
Classification: Likely benign. Last evaluated: 2024-04-01. Review status: criteria provided, single submitter. Criteria: CeGaT Center For Human Genetics Tuebingen Variant Classification Criteria Version 2. Collection method: clinical testing. Allele origin: germline. Affected: yes. Observed: 1 variant allele.
Comment: REEP1: BP4, BP7

Eurofins Ntd Llc (ga)
Classification: Uncertain significance. Last evaluated: 2018-05-01. Review status: criteria provided, single submitter. Criteria: EGL ClinVar v180209 classification definitions. Collection method: clinical testing. Allele origin: germline. Observed: 1 variant allele, 1 heterozygote.

NM_001371279.1(REEP1):c.231G>A (p.Leu77=)

Gene: REEP1 (receptor accessory protein 1; minus strand). Cytogenetic location: 2p11.2.
Variant type: single nucleotide variant.
Coding change: c.231G>A on transcript NM_001371279.1 (MANE Select); coding-DNA position 231, G replaced by A.
Protein change: p.Leu77=; no amino-acid change (leucine 77 retained).
Molecular consequence: synonymous variant. On other transcripts: intron variant (1).
Genome position (GRCh38, 1-based): chr2:86,254,766, C>T on the plus strand (G>A on the coding strand, the complement: REEP1 is on the minus strand). VCF-style: chr2-86254766-C-T. GRCh37 (hg19) VCF-style: chr2-86481889-C-T.
Other names: c.252G>A, p.Leu84= (NM_001164730.2); c.150G>A, p.Leu50= (NM_001164731.2); c.231G>A, p.Leu77= (NM_001371280.1, NM_022912.3); c.182+9199G>A (NM_001164732.2).
Identifiers: ClinVar variation 596953 (VCV000596953.37), dbSNP rs139808535, ClinGen allele CA1748794.